The following is an entry in ClinVar:

ClinVar aggregate classification (germline): Uncertain significance. Review status: criteria provided, multiple submitters, no conflicts (2 of 4 stars). 2 submissions from 2 submitters: Uncertain significance (2). Last evaluated 2024-11-06.

Conditions:
Cardiovascular phenotype. Identifiers: MedGen CN230736.
Brugada syndrome. Also called: Sudden unexplained nocturnal death syndrome; Sudden unexpected nocturnal death syndrome; Sudden Unexplained Death Syndrome; Sudden Unexplained Nocturnal Death Syndrome (SUNDS). Identifiers: Orphanet 130, MedGen C1142166, MONDO:0015263.

gnomAD v4.1: 5 of 1,614,192 alleles (0.00031%); highest among the groups gnomAD compares: Middle Eastern, 0.016%; no homozygotes.

Submissions (2):

Labcorp Genetics (formerly Invitae), Labcorp
Classification: Uncertain significance for Brugada syndrome. Last evaluated: 2024-11-06. Review status: criteria provided, single submitter. Criteria: Invitae Variant Classification Sherloc (09022015). Collection method: clinical testing. Allele origin: germline.
Comment: This sequence change replaces alanine, which is neutral and non-polar, with glutamic acid, which is acidic and polar, at codon 1589 of the SCN10A protein (p.Ala1589Glu). This variant is present in population databases (rs753004431, gnomAD 0.006%). This variant has not been reported in the literature in individuals affected with SCN10A-related conditions. ClinVar contains an entry for this variant (Variation ID: 1506312). Invitae Evidence Modeling of protein sequence and biophysical properties (such as structural, functional, and spatial information, amino acid conservation, physicochemical variation, residue mobility, and thermodynamic stability) indicates that this missense variant is not expected to disrupt SCN10A protein function with a negative predictive value of 80%. In summary, the available evidence is currently insufficient to determine the role of this variant in disease. Therefore, it has been classified as a Variant of Uncertain Significance.

Ambry Genetics
Classification: Uncertain significance for Cardiovascular phenotype. Last evaluated: 2022-08-20. Review status: criteria provided, single submitter. Criteria: Ambry Variant Classification Scheme 2023. Collection method: clinical testing. Allele origin: germline.
Comment: The p.A1589E variant (also known as c.4766C>A), located in coding exon 27 of the SCN10A gene, results from a C to A substitution at nucleotide position 4766. The alanine at codon 1589 is replaced by glutamic acid, an amino acid with dissimilar properties. This amino acid position is conserved. In addition, the in silico prediction for this alteration is inconclusive. Since supporting evidence is limited at this time, the clinical significance of this alteration remains unclear.

NM_006514.4(SCN10A):c.4766C>A (p.Ala1589Glu)

Gene: SCN10A (sodium voltage-gated channel alpha subunit 10; minus strand). Cytogenetic location: 3p22.2.
Variant type: single nucleotide variant.
Coding change: c.4766C>A on transcript NM_006514.4 (MANE Select); coding-DNA position 4766, C replaced by A.
Protein change: p.Ala1589Glu; replaces alanine 1589 with glutamic acid.
Molecular consequence: missense variant.
Genome position (GRCh38, 1-based): chr3:38,698,454, G>T on the plus strand (C>A on the coding strand, the complement: SCN10A is on the minus strand). VCF-style: chr3-38698454-G-T. GRCh37 (hg19) VCF-style: chr3-38739945-G-T.
Other names: c.4763C>A, p.Ala1588Glu (NM_001293306.2); c.4472C>A, p.Ala1491Glu (NM_001293307.2); short protein forms A1491E, A1588E, A1589E.
Identifiers: ClinVar variation 1506312 (VCV001506312.10), dbSNP rs753004431, ClinGen allele CA2319816.